The following is an entry in ClinVar:

NM_000059.4(BRCA2):c.4535G>C (p.Arg1512Pro)

Gene: BRCA2 (BRCA2 DNA repair associated; plus strand). Cytogenetic location: 13q13.1.
Variant type: single nucleotide variant.
Coding change: c.4535G>C on transcript NM_000059.4 (MANE Select); coding-DNA position 4535, G replaced by C.
Protein change: p.Arg1512Pro; replaces arginine 1512 with proline.
Molecular consequence: missense variant.
Genome position (GRCh38, 1-based): chr13:32,338,890, G>C. VCF-style: chr13-32338890-G-C. GRCh37 (hg19) VCF-style: chr13-32913027-G-C.
Other names: short protein forms R1512P.
Identifiers: ClinVar variation 126046 (VCV000126046.19), dbSNP rs80358685, ClinGen allele CA020353.

ClinVar aggregate classification (germline): Conflicting classifications of pathogenicity. Review status: criteria provided, conflicting classifications (1 of 4 stars). 7 submissions from 7 submitters: Uncertain significance (4); Likely benign (2). 1 of the submissions does not count toward it. Last evaluated 2026-01-06.

Conditions:
Hereditary cancer-predisposing syndrome. Also called: Tumor predisposition; Hereditary Cancer Syndrome; Neoplastic Syndromes, Hereditary; Hereditary neoplastic syndrome. Identifiers: Orphanet 140162, MedGen C0027672, MeSH D009386, MONDO:0015356.
Hereditary breast ovarian cancer syndrome. Also called: Hereditary breast and ovarian cancer; Hereditary breast and/or ovarian cancer syndrome; BRCA1- and BRCA2-Associated Hereditary Breast and Ovarian Cancer; Hereditary breast and ovarian cancer syndrome; Hereditary breast and ovarian cancer syndrome (HBOC); Breast and ovarian cancer. Identifiers: Orphanet 145, MedGen C0677776, MeSH D061325, MONDO:0003582. Disease mechanism: loss of function.
Breast-ovarian cancer, familial, susceptibility to, 2 (BROVCA2). Also called: BRCA2 Hereditary Breast and Ovarian Cancer. Identifiers: Orphanet 145, MedGen C2675520, MONDO:0012933, OMIM 612555. Disease mechanism: loss of function.

gnomAD v4.1: 1 of 1,613,900 alleles (0.000062%); highest among the groups gnomAD compares: Admixed American, 0.0017%; no homozygotes.

Submissions (7):

Labcorp Genetics (formerly Invitae), Labcorp
Classification: Uncertain significance for Hereditary breast ovarian cancer syndrome. Last evaluated: 2026-01-06. Review status: criteria provided, single submitter. Criteria: Invitae Variant Classification Sherloc (09022015). Collection method: clinical testing. Allele origin: germline.
Comment: This sequence change replaces arginine, which is basic and polar, with proline, which is neutral and non-polar, at codon 1512 of the BRCA2 protein (p.Arg1512Pro). This variant is not present in population databases (gnomAD no frequency). This missense change has been observed in individual(s) with breast or ovarian cancer (PMID: 29088781, 30725392). ClinVar contains an entry for this variant (Variation ID: 126046). Invitae Evidence Modeling of protein sequence and biophysical properties (such as structural, functional, and spatial information, amino acid conservation, physicochemical variation, residue mobility, and thermodynamic stability) indicates that this missense variant is not expected to disrupt BRCA2 protein function with a negative predictive value of 95%. In summary, the available evidence is currently insufficient to determine the role of this variant in disease. Therefore, it has been classified as a Variant of Uncertain Significance.

Women's Health and Genetics/Laboratory Corporation of America, LabCorp
Classification: Uncertain significance. Last evaluated: 2024-11-18. Review status: criteria provided, single submitter. Criteria: LabCorp Variant Classification Summary - May 2015. Collection method: clinical testing. Allele origin: germline.
Comment: Variant summary: BRCA2 c.4535G>C (p.Arg1512Pro) results in a non-conservative amino acid change located in the BRCA2 repeat domain (IPR002093) of the encoded protein sequence. Four of five in-silico tools predict a benign effect of the variant on protein function. The variant was absent in 250334 control chromosomes. The available data on variant occurrences in the general population are insufficient to allow any conclusion about variant significance. c.4535G>C has been reported in the literature in at least one individual affected with breast or ovarian cancer (So_2019). These report(s) do not provide unequivocal conclusions about association of the variant with Hereditary Breast And Ovarian Cancer Syndrome. To our knowledge, no experimental evidence demonstrating an impact on protein function has been reported. The following publication have been ascertained in the context of this evaluation (PMID: 30725392). ClinVar contains an entry for this variant (Variation ID: 126046). Based on the evidence outlined above, the variant was classified as uncertain significance.

Ambry Genetics
Classification: Likely benign for Hereditary cancer-predisposing syndrome. Last evaluated: 2024-01-22. Review status: criteria provided, single submitter. Criteria: Ambry Variant Classification Scheme 2023. Collection method: clinical testing. Allele origin: germline.

University of Washington Department of Laboratory Medicine, University of Washington
Classification: Likely benign for Hereditary cancer-predisposing syndrome. Last evaluated: 2023-03-23. Review status: criteria provided, single submitter. Criteria: Dines et al. (Genet Med. 2020). Collection method: curation. Allele origin: germline.
Comment: Missense variant in a coldspot region where missense variants are very unlikely to be pathogenic (PMID:31911673).

BRCA2 exon 11 coldspot. Reclassification based on statistical prior probability.

Color Diagnostics, LLC DBA Color Health
Classification: Uncertain significance for Hereditary cancer-predisposing syndrome. Last evaluated: 2020-12-03. Review status: criteria provided, single submitter. Criteria: ACMG Guidelines, 2015. Collection method: clinical testing. Allele origin: germline.
Comment: This missense variant replaces arginine with proline at codon 1512 of the BRCA2 protein. Computational prediction suggests that this variant may not impact protein structure and function (internally defined REVEL score threshold <= 0.5, PMID: 27666373). To our knowledge, functional studies have not been reported for this variant. This variant has been reported in individuals affected with breast or ovarian cancer (PMID: 30725392). This variant has not been identified in the general population by the Genome Aggregation Database (gnomAD). The available evidence is insufficient to determine the role of this variant in disease conclusively. Therefore, this variant is classified as a Variant of Uncertain Significance.

Quest Diagnostics Nichols Institute San Juan Capistrano
Classification: Uncertain significance. Last evaluated: 2016-11-23. Review status: criteria provided, single submitter. Criteria: Quest Diagnostics criteria. Collection method: clinical testing. Allele origin: germline.

Breast Cancer Information Core (BIC) (BRCA2)
Classification: Uncertain significance for Breast-ovarian cancer, familial 2. Review status: no assertion criteria provided. Collection method: clinical testing. Allele origin: germline. Affected: yes. Observed: 1 variant allele. Not counted in ClinVar's aggregate classification.

Literature cited by the submitters: PubMed 29088781 (cited by Labcorp Genetics (formerly Invitae), Labcorp and Ambry Genetics); PubMed 30725392 (cited by Labcorp Genetics (formerly Invitae), Labcorp and Women's Health and Genetics/Laboratory Corporation of America, LabCorp).